The following is an entry in ClinVar:

NM_000814.6(GABRB3):c.445G>A (p.Val149Met)

Gene: GABRB3 (gamma-aminobutyric acid type A receptor subunit beta3; minus strand). Cytogenetic location: 15q12.
Variant type: single nucleotide variant.
Coding change: c.445G>A on transcript NM_000814.6 (MANE Select); coding-DNA position 445, G replaced by A.
Protein change: p.Val149Met; replaces valine 149 with methionine.
Molecular consequence: missense variant. On other transcripts: non-coding transcript variant (1).
Genome position (GRCh38, 1-based): chr15:26,621,330, C>T on the plus strand (G>A on the coding strand, the complement: GABRB3 is on the minus strand). VCF-style: chr15-26621330-C-T. GRCh37 (hg19) VCF-style: chr15-26866477-C-T.
Other names: c.190G>A, p.Val64Met (NM_001191320.2, NM_001278631.2); c.232G>A, p.Val78Met (NM_001191321.3); c.445G>A, p.Val149Met (NM_021912.5); short protein forms V149M, V64M, V78M.
Identifiers: ClinVar variation 1316886 (VCV001316886.2), dbSNP rs1197280536, ClinGen allele CA391460642.
Genomic context (GRCh38, chr15:26,621,330, plus strand): 5'-TGCACCATGCAACAGCAAAATTGGTCCTGAAGAGGCACACAGACCTGAGCCCATACAGCA[C>T]TGTCCCATCAGGGTGAAGACGGATCATGCGGTTTTTCACTGTCACTCCATGCACAAATGA-3'
Protein context (NP_000805.1, residues 139-159): RMIRLHPDGT[Val149Met]LYGLRITTTA

ClinVar aggregate classification (germline): Uncertain significance (1 of 4 stars; one submission).

Submission:

GeneDx
Classification: Uncertain significance. Last evaluated: 2020-02-12. Review status: criteria provided, single submitter. Criteria: GeneDx Variant Classification Process June 2021. Collection method: clinical testing. Allele origin: germline. Affected: yes.
Comment: Not observed in large population cohorts (Lek et al., 2016); In silico analysis supports that this missense variant does not alter protein structure/function; Has not been previously published as pathogenic or benign to our knowledge